The following is an entry in ClinVar:

ClinVar aggregate classification (germline): Uncertain significance (1 of 4 stars; one submission).

gnomAD v4.1: 1 of 1,614,230 alleles (0.000062%); highest among the groups gnomAD compares: East Asian, 0.0022%; no homozygotes.

Submission:

CeGaT Center for Human Genetics Tuebingen
Classification: Uncertain significance. Last evaluated: 2026-04-01. Review status: criteria provided, single submitter. Criteria: CeGaT Center For Human Genetics Tuebingen Variant Classification Criteria Version 2. Collection method: clinical testing. Allele origin: germline. Affected: yes. Observed: 1 variant allele.
Comment: MED12L: PM2, PS2:Supporting

NM_001393769.1(MED12L):c.5936A>G (p.Tyr1979Cys)

Gene: MED12L (mediator complex subunit 12L; plus strand). Cytogenetic location: 3q25.1.
Variant type: single nucleotide variant.
Coding change: c.5936A>G on transcript NM_001393769.1 (MANE Select); coding-DNA position 5936, A replaced by G.
Protein change: p.Tyr1979Cys; replaces tyrosine 1979 with cysteine.
Molecular consequence: missense variant.
Genome position (GRCh38, 1-based): chr3:151,411,303, A>G. VCF-style: chr3-151411303-A-G. GRCh37 (hg19) VCF-style: chr3-151129091-A-G.
Other names: c.5831A>G, p.Tyr1944Cys (NM_053002.6); short protein forms Y1944C, Y1979C.
Identifiers: ClinVar variation 4873629 (VCV004873629.2).